The following is an entry in ClinVar:

ClinVar aggregate classification (germline): Pathogenic (1 of 4 stars; one submission).

Conditions:
Neurofibromatosis, type 1 (NF1). Also called: VON RECKLINGHAUSEN DISEASE; Neurofibromatosis, type I; NEUROFIBROMATOSIS, TYPE I, SOMATIC; Peripheral type neurofibromatosis. Identifiers: Orphanet 636, MedGen C0027831, MONDO:0018975, OMIM 162200. Disease mechanism: loss of function.

Submission:

Labcorp Genetics (formerly Invitae), Labcorp
Classification: Pathogenic for Neurofibromatosis, type 1. Last evaluated: 2019-02-27. Review status: criteria provided, single submitter. Criteria: Invitae Variant Classification Sherloc (09022015). Collection method: clinical testing. Allele origin: germline.
Comment: For these reasons, this variant has been classified as Pathogenic. Loss-of-function variants in NF1 are known to be pathogenic (PMID: 10712197, 23913538). A different variant (c.7901delC) giving rise to the same protein effect observed here (p.Pro2634Leufs*24) has been determined to be pathogenic (PMID: 15146469). This suggests that this variant is also likely to be causative of disease. This variant has not been reported in the literature in individuals with NF1-related disease. This variant is not present in population databases (ExAC no frequency). This sequence change creates a premature translational stop signal (p.Pro2634Leufs*24) in the NF1 gene. It is expected to result in an absent or disrupted protein product.

Literature cited by the submitters: PubMed 10712197; PubMed 23913538; PubMed 15146469.

NM_001042492.3(NF1):c.7959del (p.Pro2655fs)

Gene: NF1 (neurofibromin 1; plus strand). Cytogenetic location: 17q11.2.
Variant type: Deletion.
Coding change: c.7959del on transcript NM_001042492.3 (MANE Select); coding-DNA position 7959, one base deleted (C; older notation c.7959delC).
Protein change: p.Pro2655fs; shifts the reading frame from proline 2655.
Molecular consequence: frameshift variant.
Genome position (GRCh38, 1-based): chr17:31,357,358, C deleted. VCF-style (leftmost placement, unchanged base first): chr17-31357357-TC-T. GRCh37 (hg19) VCF-style: chr17-29684375-TC-T.
Other names: c.7896delC (NM_000267.3); c.7896delC, p.Pro2634Leufs (NM_000267.4); short protein forms P2634fs, P2655fs.
Identifiers: ClinVar variation 651321 (VCV000651321.7), dbSNP rs1597866998, ClinGen allele CA915949918.
Genomic context (GRCh38, chr17:31,357,357, plus strand): 5'-AGTTTGATCAACGAATTCTTTATGAATACTTAGCAGAGGCCAGTGTTGTGTTTCCCAAAG[TC>T]TTTCCTGTTGTGTAAGTATCTCCTTTTGATTTTAATTCACCTTCGTGCCTGTCTTTAAGT-3'